The following is an entry in ClinVar:

ClinVar aggregate classification (germline): Uncertain significance (1 of 4 stars; one submission).

Conditions:
Cholestasis, intrahepatic, of pregnancy, 3. Identifiers: Orphanet 69665, MedGen C3554241, MONDO:0013995, OMIM 614972.

gnomAD v4.1: 5 of 1,605,764 alleles (0.00031%); highest among the groups gnomAD compares: Admixed American, 0.0017%; no homozygotes.

Submission:

Victorian Clinical Genetics Services, Murdoch Childrens Research Institute
Classification: Uncertain significance for Cholestasis, intrahepatic, of pregnancy, 3. Last evaluated: 2025-04-23. Review status: criteria provided, single submitter. Criteria: ACMG Guidelines, 2015. Collection method: clinical testing. Allele origin: germline. Affected: yes.
Comment: This variant is classified as VUS-3B. Evidence in support of pathogenic classification: Variant is present in gnomAD <0.01 (v4: 5 heterozygote(s), 0 homozygote(s)). Additional information: Variant is predicted to result in a missense amino acid change from isoleucine to threonine; This variant is heterozygous; This gene is associated with both recessive and dominant disease. Progressive familial intrahepatic cholestasis (PFIC) is inherited in a recessive manner, whereas intrahepatic cholestais of pregnancy-3 (ICP-3) and low phospholipid-associated cholestasis (LPAC) can be either dominant or recessive. Biallelic variants typically demonstrate less residual protein activity, resulting in earlier onset of the condition with a more severe phenotype (OMIM, PMIDs: 24806754, 32376413); This variant has no previous evidence of pathogenicity; No published segregation evidence has been identified for this variant; No published functional evidence has been identified for this variant; No comparable missense variants have previous evidence for pathogenicity; Variant is not located in an established domain, motif, hotspot or informative constraint region; Missense variant with conflicting in silico prediction and conservation; Loss of function is a known mechanism of disease in this gene and is associated with intrahepatic cholestasis of pregnancy 3 (ICP-3) (MIM#614972), gallbladder disease 1 (low phospholipid-associated cholelithiasis (LPAC)) (MIM# 600803) and progressive familial intrahepatic cholestasis 3 (PFIC) (MIM#602347); Inheritance information for this variant is not currently available in this individual.

Literature cited by the submitters: PubMed 24806754; PubMed 32376413.

NM_000443.4(ABCB4):c.1112T>C (p.Ile371Thr)

Gene: ABCB4 (ATP binding cassette subfamily B member 4; minus strand). Cytogenetic location: 7q21.12.
Variant type: single nucleotide variant.
Coding change: c.1112T>C on transcript NM_000443.4 (MANE Select); coding-DNA position 1112, T replaced by C.
Protein change: p.Ile371Thr; replaces isoleucine 371 with threonine.
Molecular consequence: missense variant.
Genome position (GRCh38, 1-based): chr7:87,444,869, A>G on the plus strand (T>C on the coding strand, the complement: ABCB4 is on the minus strand). VCF-style: chr7-87444869-A-G. GRCh37 (hg19) VCF-style: chr7-87074185-A-G.
Other names: c.1112T>C, p.Ile371Thr (NM_018849.3, NM_018850.3); short protein forms I371T.
Identifiers: ClinVar variation 4532082 (VCV004532082.1).